The following is an entry in ClinVar:

ClinVar aggregate classification (germline): Conflicting classifications of pathogenicity. Review status: criteria provided, conflicting classifications (1 of 4 stars). 7 submissions from 5 submitters: Uncertain significance (4); Likely benign (3). Last evaluated 2025-12-08.

Conditions:
Arrhythmogenic cardiomyopathy with wooly hair and keratoderma. Also called: PALMOPLANTAR KERATODERMA WITH LEFT VENTRICULAR CARDIOMYOPATHY AND WOOLLY HAIR; Carvajal syndrome; Dilated cardiomyopathy with woolly hair and keratoderma; Arrhythmogenic cardiomyopathy with woolly hair and keratoderma. Identifiers: Orphanet 65282, MedGen C1854063, MONDO:0011581, OMIM 605676.
Arrhythmogenic right ventricular dysplasia 8 (ARVD8). Also called: ARRHYTHMOGENIC RIGHT VENTRICULAR DYSPLASIA, FAMILIAL, 8; ARRHYTHMOGENIC RIGHT VENTRICULAR CARDIOMYOPATHY 8; Arrhythmogenic Right Ventricular Dysplasia/Cardiomyopathy 8. Identifiers: MedGen C1843896, MONDO:0011831, OMIM 607450.
Cardiomyopathy (CMYO). Also called: Cardiomyopathies. Identifiers: Orphanet 167848, MedGen C0878544, MONDO:0004994, HP:0001638. Inheritance: Various modes of inheritance.
Cardiovascular phenotype. Identifiers: MedGen CN230736.
Lethal acantholytic epidermolysis bullosa (EBLA). Identifiers: Orphanet 158687, MedGen C1864826, MONDO:0012323, OMIM 609638.
Woolly hair-skin fragility syndrome (WHSF). Identifiers: Orphanet 293165, MedGen C1843292, MONDO:0957307, OMIM 620415.

Allele frequency attached by ClinVar (database versions not stated): gnomAD 0.00002 and 0.00004; TOPMed 0.00004; gnomAD exomes 0.00006 and 0.00010; ESP Exome Variant Server 0.00008; ExAC 0.00013; 1000 Genomes Project 30x 0.00016; 1000 Genomes Project 0.00020.
gnomAD v4.1: 93 of 1,614,134 alleles (0.0058%); highest among the groups gnomAD compares: East Asian, 0.19%; no homozygotes.

Submissions (7):

Labcorp Genetics (formerly Invitae), Labcorp
Classification: Likely benign for Arrhythmogenic cardiomyopathy with wooly hair and keratoderma; Arrhythmogenic right ventricular dysplasia 8. Last evaluated: 2025-12-08. Review status: criteria provided, single submitter. Criteria: Invitae Variant Classification Sherloc (09022015). Collection method: clinical testing. Allele origin: germline.

Color Diagnostics, LLC DBA Color Health
Classification: Likely benign for Cardiomyopathy. Last evaluated: 2023-06-01. Review status: criteria provided, single submitter. Criteria: ACMG Guidelines, 2015. Collection method: clinical testing. Allele origin: germline.

Ambry Genetics
Classification: Likely benign for Cardiovascular phenotype. Last evaluated: 2022-10-12. Review status: criteria provided, single submitter. Criteria: Ambry Variant Classification Scheme 2023. Collection method: clinical testing. Allele origin: germline.

Illumina Laboratory Services, Illumina
Classification: Uncertain significance for Lethal acantholytic epidermolysis bullosa. Last evaluated: 2018-01-13. Review status: criteria provided, single submitter. Criteria: ICSL Variant Classification Criteria 13 December 2019. Collection method: clinical testing. Allele origin: germline.

Illumina Laboratory Services, Illumina
Classification: Uncertain significance for Arrhythmogenic cardiomyopathy with wooly hair and keratoderma. Last evaluated: 2018-01-13. Review status: criteria provided, single submitter. Criteria: ICSL Variant Classification Criteria 13 December 2019. Collection method: clinical testing. Allele origin: germline.

Illumina Laboratory Services, Illumina
Classification: Uncertain significance for Arrhythmogenic right ventricular dysplasia 8. Last evaluated: 2018-01-13. Review status: criteria provided, single submitter. Criteria: ICSL Variant Classification Criteria 13 December 2019. Collection method: clinical testing. Allele origin: germline.

GeneDx
Classification: Uncertain significance. Last evaluated: 2017-08-03. Review status: criteria provided, single submitter. Criteria: GeneDx Variant Classification (06012015). Collection method: clinical testing. Allele origin: germline. Affected: yes.
Comment: A variant of uncertain significance has been identified in the DSP gene. The L2628P variant has not been published as pathogenic or been reported as benign to our knowledge. This variant is observed in 0.1-0.2% alleles from individuals of East Asian ancestry in large population cohorts, indicating it may be a rare benign variant in this population (Lek et al., 2016; 1000 Genomes Consortium et al., 2015; Exome Variant Server). Nevertheless, the L2628P variant is a semi-conservative amino acid substitution, which may impact secondary protein structure as these residues differ in some properties. This substitution occurs at a position that is conserved across species, and in silico analysis predicts this variant is probably damaging to the protein structure/function.

Literature cited by the submitters: PubMed 27135274 (cited by Ambry Genetics).

NM_004415.4(DSP):c.7883T>C (p.Leu2628Pro)

Gene: DSP (desmoplakin; plus strand). Cytogenetic location: 6p24.3.
Variant type: single nucleotide variant.
Coding change: c.7883T>C on transcript NM_004415.4 (MANE Select); coding-DNA position 7883, T replaced by C.
Protein change: p.Leu2628Pro; replaces leucine 2628 with proline.
Molecular consequence: missense variant.
Genome position (GRCh38, 1-based): chr6:7,585,145, T>C. VCF-style: chr6-7585145-T-C. GRCh37 (hg19) VCF-style: chr6-7585378-T-C.
Other names: c.7883T>C (LRG_423t1); c.6086T>C, p.Leu2029Pro (NM_001008844.3); c.6554T>C, p.Leu2185Pro (NM_001319034.2); short protein forms L2628P, L2029P, L2185P.
Identifiers: ClinVar variation 357965 (VCV000357965.23), dbSNP rs147484870, ClinGen allele CA051060.
Genomic context (GRCh38, chr6:7,585,145, plus strand): 5'-CTTTTTCAGACACCCTGGAAGAATCGAGCCCCATTGCAGCCATCTTTGACACAGAAAACC[T>C]GGAGAAAATCTCCATTACAGAAGGTATAGAGCGGGGCATCGTTGACAGCATCACGGGTCA-3'
Protein context (NP_004406.2, residues 2618-2638): PIAAIFDTEN[Leu2628Pro]EKISITEGIE